The following is an entry in ClinVar:

NM_007294.4(BRCA1):c.5360G>C (p.Cys1787Ser)

Gene: BRCA1 (BRCA1 DNA repair associated; minus strand). Cytogenetic location: 17q21.31.
Variant type: single nucleotide variant.
Coding change: c.5360G>C on transcript NM_007294.4 (MANE Select); coding-DNA position 5360, G replaced by C.
Protein change: p.Cys1787Ser; replaces cysteine 1787 with serine.
Molecular consequence: missense variant. On other transcripts: non-coding transcript variant (1), intron variant (1).
Genome position (GRCh38, 1-based): chr17:43,049,167, C>G on the plus strand (G>C on the coding strand, the complement: BRCA1 is on the minus strand). VCF-style: chr17-43049167-C-G. GRCh37 (hg19) VCF-style: chr17-41201184-C-G.
Other names: c.5147G>C, p.Cys1716Ser (NM_001407571.1, NM_001407899.1, NM_001407900.1 and 12 more transcripts); c.5426G>C, p.Cys1809Ser (NM_001407581.1, NM_001407582.1); c.5423G>C, p.Cys1808Ser (NM_001407583.1, NM_001407585.1, NM_001407587.1 and 1 more transcripts); c.5420G>C, p.Cys1807Ser (NM_001407590.1, NM_001407591.1); c.5360G>C, p.Cys1787Ser (NM_001407593.1, NM_001407594.1, NM_001407596.1 and 5 more transcripts); c.5357G>C, p.Cys1786Ser (NM_001407610.1, NM_001407611.1, NM_001407622.1 and 14 more transcripts); c.5354G>C, p.Cys1785Ser (NM_001407627.1, NM_001407628.1, NM_001407629.1 and 13 more transcripts); c.5351G>C, p.Cys1784Ser (NM_001407644.1, NM_001407645.1); and 73 more; short protein forms C1808S, C1787S, C683S, C1740S, C613S, C636S, C637S, C641S.
Identifiers: ClinVar variation 865657 (VCV000865657.3), dbSNP rs1597801649, ClinGen allele CA10590745.
Genomic context (GRCh38, chr17:43,049,167, plus strand): 5'-CACCCAATACTTACTGTGCCAAGGGTGAATGATGAAAGCTCCTTCACCACAGAAGCACCA[C>G]ACAGCTGTACCATCCATTCCAGTTGATCTAAAATGGACATTTAGATGTAAAATCACTGCA-3'
Protein context (NP_009225.1, residues 1777-1797): TDQLEWMVQL[Cys1787Ser]GASVVKELSS

Conditions:
Breast-ovarian cancer, familial, susceptibility to, 1 (BROVCA1). Also called: BRCA1 Hereditary Breast and Ovarian Cancer; OVARIAN CANCER, SUSCEPTIBILITY TO. Identifiers: Orphanet 145, MedGen C2676676, MONDO:0011450, OMIM 604370. Disease mechanism: loss of function.

Submission:

Brotman Baty Institute, University of Washington
No classification provided (evidence only). Condition: Breast-ovarian cancer, familial 1. Review status: no classification provided. Collection method: in vitro. Allele origin: not applicable. Functional consequence: functionally_normal.
ClinVar note: "not provided" was previously submitted as the classification for the variant. However, the classification appeared to be based only on an observation of functional data so it was converted to no classification on 2025-07-30.